The following is an entry in ClinVar:

NM_130839.5(UBE3A):c.2534T>A (p.Leu845Ter)

Genes: SNHG14 (small nucleolar RNA host gene 14; plus strand), UBE3A (ubiquitin protein ligase E3A; minus strand). Cytogenetic location: 15q11.2.
Variant type: single nucleotide variant.
Coding change: c.2534T>A on transcript NM_130839.5 (MANE Select); coding-DNA position 2534, T replaced by A.
Protein change: p.Leu845Ter; replaces leucine 845 with a stop codon.
Molecular consequence: nonsense. On other transcripts: non-coding transcript variant (1).
Genome position (GRCh38, 1-based): chr15:25,339,222, A>T on the plus strand (T>A on the coding strand, the complement: UBE3A is on the minus strand). VCF-style: chr15-25339222-A-T. GRCh37 (hg19) VCF-style: chr15-25584369-A-T.
Other names: c.2543T>A, p.Leu848Ter (NM_000462.5); c.2534T>A, p.Leu845Ter (NM_001354505.1, NM_001354538.2); c.2474T>A, p.Leu825Ter (NM_001354506.2, NM_001354507.2, NM_001354508.2 and 14 more transcripts); c.2378T>A, p.Leu793Ter (NM_001354545.2); c.2357T>A, p.Leu786Ter (NM_001354546.2); c.2318T>A, p.Leu773Ter (NM_001354547.2, NM_001354548.2); c.2309T>A, p.Leu770Ter (NM_001354549.2); c.1283T>A, p.Leu428Ter (NM_001354550.2); and 1 more; short protein forms L825*, L845*, L770*, L428*, L773*, L848*, L408*, L786*.
Identifiers: ClinVar variation 155978 (VCV000155978.1), dbSNP rs587781226, ClinGen allele CA333355.

ClinVar aggregate classification (germline): Pathogenic (0 of 4 stars; one submission).

Conditions:
Angelman syndrome (AS). Also called: HAPPY PUPPET SYNDROME. Identifiers: Orphanet 72, MedGen C0162635, MONDO:0007113, OMIM 105830. Disease mechanism: loss of function. Inheritance: AS is caused by disruption of maternally imprinted UBE3A located within the 15q11.2-q13 Angelman syndrome/Prader-Willi syndrome (AS/PWS) region., imprinting disorder.

Submission:

Baylor Genetics
Classification: Pathogenic for Angelman Syndrome. Last evaluated: 2014-02-14. Review status: no assertion criteria provided. Collection method: clinical testing. Allele origin: germline. Affected: yes. Observed: 1 variant allele. Study: UBE3A Mutation Study.
Comment: Data collected from clinical UBE3A sequence analysis results

Literature cited by the submitters: PubMed 25212744.